The following is an entry in ClinVar:

ClinVar aggregate classification (germline): Conflicting classifications of pathogenicity. Review status: criteria provided, conflicting classifications (1 of 4 stars). 4 submissions from 4 submitters: Uncertain significance (1); Benign (1); Likely benign (2). Last evaluated 2025-05-27.

Conditions:
Hereditary cancer-predisposing syndrome. Also called: Hereditary neoplastic syndrome; Tumor predisposition; Neoplastic Syndromes, Hereditary; Hereditary Cancer Syndrome. Identifiers: Orphanet 140162, MedGen C0027672, MeSH D009386, MONDO:0015356.
Hereditary diffuse gastric adenocarcinoma (HDGC). Also called: DIFFUSE GASTRIC AND LOBULAR BREAST CANCER SYNDROME. Identifiers: Orphanet 26106, MedGen C1708349, MONDO:0007648, OMIM 137215.

Submissions (4):

Ambry Genetics
Classification: Likely benign for Hereditary cancer-predisposing syndrome. Last evaluated: 2025-05-27. Review status: criteria provided, single submitter. Criteria: Ambry Variant Classification Scheme 2023. Collection method: clinical testing. Allele origin: germline.

Myriad Genetics, Inc.
Classification: Benign for Hereditary diffuse gastric adenocarcinoma. Last evaluated: 2024-09-17. Review status: criteria provided, single submitter. Criteria: Myriad Autosomal Dominant, Autosomal Recessive and X-Linked Classification Criteria (2023). Collection method: clinical testing. Allele origin: unknown.
Comment: This variant is considered benign. This variant is a silent/synonymous amino acid change and it is not expected to impact splicing.

Labcorp Genetics (formerly Invitae), Labcorp
Classification: Likely benign for Hereditary diffuse gastric adenocarcinoma. Last evaluated: 2021-06-14. Review status: criteria provided, single submitter. Criteria: Invitae Variant Classification Sherloc (09022015). Collection method: clinical testing. Allele origin: germline.

Quest Diagnostics Nichols Institute San Juan Capistrano
Classification: Uncertain significance. Last evaluated: 2021-05-20. Review status: criteria provided, single submitter. Criteria: Quest Diagnostics criteria. Collection method: clinical testing. Allele origin: unknown.

NM_004360.5(CDH1):c.984G>A (p.Val328=)

Gene: CDH1 (cadherin 1; plus strand). Cytogenetic location: 16q22.1.
Variant type: single nucleotide variant.
Coding change: c.984G>A on transcript NM_004360.5 (MANE Select); coding-DNA position 984, G replaced by A.
Protein change: p.Val328=; no amino-acid change (valine 328 retained).
Molecular consequence: synonymous variant. On other transcripts: 5 prime UTR variant (2).
Genome position (GRCh38, 1-based): chr16:68,811,835, G>A. VCF-style: chr16-68811835-G-A. GRCh37 (hg19) VCF-style: chr16-68845738-G-A.
Other names: c.984G>A, p.Val328= (NM_001317184.2); c.-632G>A (NM_001317185.2); c.-836G>A (NM_001317186.2).
Identifiers: ClinVar variation 1141866 (VCV001141866.14), dbSNP rs1960843053, ClinGen allele CA496152969.